The following is an entry in ClinVar:

ClinVar aggregate classification (germline): Conflicting classifications of pathogenicity. Review status: criteria provided, conflicting classifications (1 of 4 stars). 6 submissions from 6 submitters: Uncertain significance (4); Likely benign (1). 1 of the submissions does not count toward it. Last evaluated 2025-08-07.

Conditions:
Hereditary cancer-predisposing syndrome. Also called: Hereditary neoplastic syndrome; Hereditary Cancer Syndrome; Neoplastic Syndromes, Hereditary; Tumor predisposition. Identifiers: Orphanet 140162, MedGen C0027672, MeSH D009386, MONDO:0015356.
Breast-ovarian cancer, familial, susceptibility to, 2 (BROVCA2). Also called: BRCA2 Hereditary Breast and Ovarian Cancer. Identifiers: Orphanet 145, MedGen C2675520, MONDO:0012933, OMIM 612555. Disease mechanism: loss of function.
Hereditary breast ovarian cancer syndrome. Also called: Breast and ovarian cancer; Hereditary breast and/or ovarian cancer syndrome; BRCA1- and BRCA2-Associated Hereditary Breast and Ovarian Cancer; Hereditary breast and ovarian cancer; Hereditary breast and ovarian cancer syndrome (HBOC); Hereditary breast and ovarian cancer syndrome. Identifiers: Orphanet 145, MedGen C0677776, MeSH D061325, MONDO:0003582. Disease mechanism: loss of function.

Submissions (6):

Labcorp Genetics (formerly Invitae), Labcorp
Classification: Uncertain significance for Hereditary breast ovarian cancer syndrome. Last evaluated: 2025-08-07. Review status: criteria provided, single submitter. Criteria: Invitae Variant Classification Sherloc (09022015). Collection method: clinical testing. Allele origin: germline.
Comment: This sequence change replaces alanine, which is neutral and non-polar, with serine, which is neutral and polar, at codon 1535 of the BRCA2 protein (p.Ala1535Ser). This variant is not present in population databases (gnomAD no frequency). This missense change has been observed in individual(s) with personal and/or family history of breast and/or ovarian cancer (PMID: 30254663). ClinVar contains an entry for this variant (Variation ID: 1366992). Invitae Evidence Modeling of protein sequence and biophysical properties (such as structural, functional, and spatial information, amino acid conservation, physicochemical variation, residue mobility, and thermodynamic stability) indicates that this missense variant is not expected to disrupt BRCA2 protein function with a negative predictive value of 95%. Experimental studies are conflicting or provide insufficient evidence to determine the effect of this variant on BRCA2 function (PMID: 20684611). In summary, the available evidence is currently insufficient to determine the role of this variant in disease. Therefore, it has been classified as a Variant of Uncertain Significance.

Ambry Genetics
Classification: Uncertain significance for Hereditary cancer-predisposing syndrome. Last evaluated: 2025-07-19. Review status: criteria provided, single submitter. Criteria: Ambry Variant Classification Scheme 2023. Collection method: clinical testing. Allele origin: germline.
Comment: The p.A1535S variant (also known as c.4603G>T), located in coding exon 10 of the BRCA2 gene, results from a G to T substitution at nucleotide position 4603. The alanine at codon 1535 is replaced by serine, an amino acid with similar properties. This alteration was observed in 1 of 1045 Italian patients with breast and/or ovarian cancer fulfilling established criteria for HBOC genetic testing (Zuntini R et al. Front Genet, 2018 Sep;9:378). This amino acid position is not well conserved in available vertebrate species. In addition, this alteration is predicted to be tolerated by in silico analysis. Since supporting evidence is limited at this time, the clinical significance of this alteration remains unclear.

Quest Diagnostics Nichols Institute San Juan Capistrano
Classification: Uncertain significance. Last evaluated: 2025-04-01. Review status: criteria provided, single submitter. Criteria: Quest Diagnostics criteria. Collection method: clinical testing. Allele origin: unknown.
Comment: The BRCA2 c.4603G>T (p.Ala1535Ser) variant has been reported in the published literature in individuals with hereditary breast and ovarian cancer (PMID: 30254663 (2018)). Functional studies demonstrated that this variant had an inconclusive effect on protein function (PMID: 20684611 (2010), 26522863 (2015)). This variant has not been reported in large, multi-ethnic general populations (Genome Aggregation Database). Analysis of this variant using bioinformatics tools for the prediction of the effect of amino acid changes on protein structure and function yielded predictions that this variant is benign. Based on the available information, we are unable to determine the clinical significance of this variant.

All of Us Research Program, National Institutes of Health
Classification: Uncertain significance for Breast-ovarian cancer, familial, susceptibility to, 2. Last evaluated: 2023-04-27. Review status: criteria provided, single submitter. Criteria: ACMG Guidelines, 2015. Collection method: clinical testing. Allele origin: germline. Inheritance: Autosomal dominant inheritance. Observed: 1 variant allele, 1 heterozygote.
Comment: This study involves interpretation of variants in research participants for the purpose of population health screening. Participant phenotype was not available at the time of variant classification. Additional details can be found in publication PMID: 35346344, PMCID: PMC8962531

University of Washington Department of Laboratory Medicine, University of Washington
Classification: Likely benign for Hereditary cancer-predisposing syndrome. Last evaluated: 2023-03-23. Review status: criteria provided, single submitter. Criteria: Dines et al. (Genet Med. 2020). Collection method: curation. Allele origin: germline.
Comment: Missense variant in a coldspot region where missense variants are very unlikely to be pathogenic (PMID:31911673).

BRCA2 exon 11 coldspot. Reclassification based on statistical prior probability.

Department of Medical and Surgical Sciences, University of Bologna
Classification: Likely benign for Breast-ovarian cancer, familial, susceptibility to, 2. Last evaluated: 2023-09-01. Review status: no assertion criteria provided. Collection method: clinical testing. Allele origin: germline. Affected: yes. Not counted in ClinVar's aggregate classification.
Comment: PM2(Supporting)+BP1(Strong) according to ACMG/AMP classification guidelines specified for BRCA1 & BRCA2 (Classification Criteria V1.0.0 2023-09-08) (PMID: 38160042)

Literature cited by the submitters: PubMed 30254663 (cited by 3 submitters); PubMed 20684611 (cited by Labcorp Genetics (formerly Invitae), Labcorp and Quest Diagnostics Nichols Institute San Juan Capistrano); PubMed 26522863 (cited by Quest Diagnostics Nichols Institute San Juan Capistrano).

NM_000059.4(BRCA2):c.4603G>T (p.Ala1535Ser)

Gene: BRCA2 (BRCA2 DNA repair associated; plus strand). Cytogenetic location: 13q13.1.
Variant type: single nucleotide variant.
Coding change: c.4603G>T on transcript NM_000059.4 (MANE Select); coding-DNA position 4603, G replaced by T.
Protein change: p.Ala1535Ser; replaces alanine 1535 with serine.
Molecular consequence: missense variant.
Genome position (GRCh38, 1-based): chr13:32,338,958, G>T. VCF-style: chr13-32338958-G-T. GRCh37 (hg19) VCF-style: chr13-32913095-G-T.
Other names: c.4603G>T (NM_000059.3); short protein forms A1535S.
Identifiers: ClinVar variation 1366992 (VCV001366992.13), dbSNP rs2072508845, ClinGen allele CA387781980.
Genomic context (GRCh38, chr13:32,338,958, plus strand): 5'-AAGATCAAAGAACCTACTCTATTGGGTTTTCATACAGCTAGCGGGAAAAAAGTTAAAATT[G>T]CAAAGGAATCTTTGGACAAAGTGAAAAACCTTTTTGATGAAAAAGAGCAAGGTACTAGTG-3'
Protein context (NP_000050.3, residues 1525-1545): HTASGKKVKI[Ala1535Ser]KESLDKVKNL